The following is an entry in ClinVar:

ClinVar aggregate classification (germline): Conflicting classifications of pathogenicity. Review status: criteria provided, conflicting classifications (1 of 4 stars). 6 submissions from 6 submitters: Uncertain significance (1); Benign (3); Likely benign (1). 1 of the submissions does not count toward it. Last evaluated 2025-07-21.

Conditions:
Bronchiectasis with or without elevated sweat chloride 1 (BESC1). Also called: Cystic Fibrosis-Like Syndrome. Identifiers: Orphanet 60033, MedGen C2749757, MONDO:0008887, OMIM 211400.
Hereditary pancreatitis (PCTT). Also called: Hereditary chronic pancreatitis; PRSS1-Related Hereditary Pancreatitis. Identifiers: Orphanet 676, MedGen C0238339, MONDO:0008185, OMIM 167800.
Cystic fibrosis (CF). Also called: MUCOVISCIDOSIS. Identifiers: Orphanet 586, MedGen C0010674, MONDO:0009061, OMIM 219700. Disease mechanism: loss of function.
Congenital bilateral aplasia of vas deferens from CFTR mutation (CBAVD). Identifiers: Orphanet 48, MedGen C0403814, MONDO:0010178, OMIM 277180. Disease mechanism: loss of function.
CFTR-related disorder (CFTR-RD). Also called: CFTR-related condition; CFTR-related disorders. Identifiers: MedGen C5924204, MONDO:7770004.

Allele frequency attached by ClinVar (database versions not stated): TOPMed 0.00040; ExAC 0.00033; gnomAD 0.00211 and 0.00222.

Submissions (6):

GeneDx
Classification: Uncertain significance. Last evaluated: 2025-07-21. Review status: criteria provided, single submitter. Criteria: GeneDx Variant Classification Process June 2021. Collection method: clinical testing. Allele origin: germline. Affected: yes.
Comment: In silico analysis suggests that this variant does not alter splicing; Has not been previously published as pathogenic or benign to our knowledge

ARUP Laboratories, Molecular Genetics and Genomics, ARUP Laboratories
Classification: Benign. Last evaluated: 2025-02-06. Review status: criteria provided, single submitter. Criteria: ARUP Molecular Germline Variant Investigation Process 2024. Collection method: clinical testing. Allele origin: germline.

Mendelics
Classification: Benign. Last evaluated: 2022-05-04. Review status: criteria provided, single submitter. Criteria: Mendelics Assertion Criteria 2019. Collection method: clinical testing. Allele origin: germline.

Labcorp Genetics (formerly Invitae), Labcorp
Classification: Benign for Cystic fibrosis. Last evaluated: 2021-12-13. Review status: criteria provided, single submitter. Criteria: Invitae Variant Classification Sherloc (09022015). Collection method: clinical testing. Allele origin: germline.

Fulgent Genetics
Classification: Likely benign for Hereditary pancreatitis; Bronchiectasis with or without elevated sweat chloride 1; Cystic fibrosis; Congenital bilateral aplasia of vas deferens from CFTR mutation. Last evaluated: 2021-08-31. Review status: criteria provided, single submitter. Criteria: ACMG Guidelines, 2015. Collection method: clinical testing. Allele origin: unknown.

PreventionGenetics, part of Exact Sciences
Classification: Likely benign for CFTR-related condition. Last evaluated: 2021-03-10. Review status: no assertion criteria provided. Collection method: clinical testing. Allele origin: germline. Not counted in ClinVar's aggregate classification.
Comment: This variant is classified as likely benign based on ACMG/AMP sequence variant interpretation guidelines (Richards et al. 2015 PMID: 25741868, with internal and published modifications).

NM_000492.4(CFTR):c.1210-13del

Genes: CFTR (CF transmembrane conductance regulator; plus strand), CFTR-AS1 (CFTR antisense RNA 1; minus strand). Cytogenetic location: 7q31.2.
Variant type: Deletion.
Coding change: c.1210-13del on transcript NM_000492.4 (MANE Select); 13 bases into the intron before coding-DNA position 1210, one base deleted (G; older notation c.1210-13delG).
Molecular consequence: intron variant.
Genome position (GRCh38, 1-based): chr7:117,548,628, G deleted. VCF-style (leftmost placement, unchanged base first): chr7-117548627-TG-T. GRCh37 (hg19) VCF-style: chr7-117188681-TG-T.
Other names: c.1210-13delG (NM_000492.3).
Identifiers: ClinVar variation 1168489 (VCV001168489.17), dbSNP rs750294275, ClinGen allele CA4450947.